The following is an entry in ClinVar:

ClinVar aggregate classification (germline): Conflicting classifications of pathogenicity. Review status: criteria provided, conflicting classifications (1 of 4 stars). 6 submissions from 6 submitters: Pathogenic (1); Likely pathogenic (3); Uncertain significance (1). 1 of the submissions does not count toward it. Last evaluated 2026-04-03.

Conditions:
Hereditary cancer-predisposing syndrome. Also called: Tumor predisposition; Hereditary Cancer Syndrome; Hereditary neoplastic syndrome; Neoplastic Syndromes, Hereditary. Identifiers: Orphanet 140162, MedGen C0027672, MeSH D009386, MONDO:0015356.
Hereditary leiomyomatosis and renal cell cancer. Also called: LEIOMYOMA, MULTIPLE CUTANEOUS; Reed syndrome; Multiple cutaneous and uterine leiomyomatosis; Cutaneous leiomyomata with uterine leiomyomata; Leiomyoma, hereditary multiple, of skin; Multiple cutaneous and uterine leiomyomata. Identifiers: Orphanet 523, MedGen C1708350, MONDO:0007888, OMIM 150800, HP:0007437. Disease mechanism: loss of function.

Allele frequency attached by ClinVar (database versions not stated): gnomAD exomes below 0.00001.

Submissions (7):

Ambry Genetics
Classification: Pathogenic for Hereditary cancer-predisposing syndrome. Last evaluated: 2026-04-03. Review status: criteria provided, single submitter. Criteria: Ambry Variant Classification Scheme 2023. Collection method: clinical testing. Allele origin: germline.
Comment: The p.V322G pathogenic mutation (also known as c.965T>G), located in coding exon 7 of the FH gene, results from a T to G substitution at nucleotide position 965. The valine at codon 322 is replaced by glycine, an amino acid with dissimilar properties. This variant was reported in individuals with features consistent with FH-related tumor predisposition (Bhola PT et al. Fam. Cancer, 2018 Feb; S&aacute;nchez-Heras AB et al. Cancers (Basel). 2020 Nov;12(11); Ambry internal data; external communication). This amino acid position is highly conserved in available vertebrate species. In addition, this alteration is predicted to be deleterious by in silico analysis. Based on the supporting evidence, this variant is interpreted as a disease-causing mutation.

Molecular Diagnostics Laboratory, Catalan Institute of Oncology
Classification: Likely pathogenic for Hereditary cancer-predisposing syndrome. Last evaluated: 2025-08-05. Review status: criteria provided, single submitter. Criteria: ACMG Guidelines, 2015. Collection method: clinical testing. Allele origin: germline.
Comment: PS4_Strong, PM2_Supporting, PP3_Moderate c.965T>G, located in exon 7 of the FH gene, is predicted to result in the substitution of valine with glycine at codon 322, p.(Val322Gly). This variant is found in 1/268120 alleles at a frequency of 0,003% in the gnomAD v2.1.1 database, non-cancer dataset (PM2_Supporting). The SpliceAI algorithm predicts no significant impact on splicing. The REVEL meta-predictor score for this variant (0.962) suggests a deleterious effect on protein function according to Pejaver 2022 thresholds (PMID: 36413997) (PP3_Moderate). To our knowledge, no well-established functional studies have been reported for this variant. This variant has been observed in multiple affected individuals with FH-associated phenotype (PMID: 33167498, 33402335, 29423582) (PS4_Strong). This variant has been reported in the ClinVar database (3x likely pathogenic, 1x uncertain significance) and has not been reported in LOVD. Based on currently available information, the variant c.965T>G should be considered a likely pathogenic variant according to ACMG/AMP classification guidelines.

Labcorp Genetics (formerly Invitae), Labcorp
Classification: Uncertain significance. Last evaluated: 2024-09-01. Review status: criteria provided, single submitter. Criteria: Invitae Variant Classification Sherloc (09022015). Collection method: clinical testing. Allele origin: germline.
Comment: This sequence change replaces valine, which is neutral and non-polar, with glycine, which is neutral and non-polar, at codon 322 of the FH protein (p.Val322Gly). This variant is present in population databases (no rsID available, gnomAD 0.003%). This missense change has been observed in individual(s) with clinical features of FH-related conditions (PMID: 29423582, 33167498, 33402335). ClinVar contains an entry for this variant (Variation ID: 214417). Invitae Evidence Modeling of protein sequence and biophysical properties (such as structural, functional, and spatial information, amino acid conservation, physicochemical variation, residue mobility, and thermodynamic stability) indicates that this missense variant is expected to disrupt FH protein function with a positive predictive value of 95%. In summary, the available evidence is currently insufficient to determine the role of this variant in disease. Therefore, it has been classified as a Variant of Uncertain Significance.

GeneDx
Classification: Likely pathogenic. Last evaluated: 2023-10-19. Review status: criteria provided, single submitter. Criteria: GeneDx Variant Classification Process June 2021. Collection method: clinical testing. Allele origin: germline. Affected: yes.
Comment: Not observed at significant frequency in large population cohorts (gnomAD); In silico analysis supports that this missense variant has a deleterious effect on protein structure/function; Identified in individuals with FH-related tumors referred for genetic testing at GeneDx and in published literature (Snchez-Heras et al., 2020); This variant is associated with the following publications: (PMID: 21445611, 29423582, 33167498)

Myriad Genetics, Inc.
Classification: Likely pathogenic for Hereditary leiomyomatosis and renal cell cancer. Last evaluated: 2023-09-15. Review status: criteria provided, single submitter. Criteria: Myriad Autosomal Dominant, Autosomal Recessive and X-Linked Classification Criteria (2023). Collection method: clinical testing. Allele origin: unknown.
Comment: This variant is considered likely pathogenic. This variant has been reported in multiple individuals with clinical features of gene-specific disease [PMID: 33167498, 29423582, 33402335; Myriad internal data]. This variant is expected to disrupt protein structure [Myriad internal data].

Dr. Peter K. Rogan Lab, Western University
No classification provided (evidence only). Condition: Ovarian serous cystadenocarcinoma. Review status: no classification provided. Collection method: in vitro. Allele origin: not applicable. Functional consequence: retained intron. Not counted in ClinVar's aggregate classification.

Genomic Diagnostic Laboratory, Division of Genomic Diagnostics, Children's Hospital of Philadelphia
Classification: Uncertain significance for Hereditary leiomyomatosis and renal cell cancer. Last evaluated: 2017-01-17. Review status: flagged submission. Criteria: DGD Variant Analysis Guidelines. Collection method: clinical testing. Allele origin: germline. Affected: yes. Observed: 2 variant alleles. Not counted in ClinVar's aggregate classification.
Comment: Clinical Testing
ClinVar note: Reason: Older and outlier claim with insufficient supporting evidence

Literature cited by the submitters: PubMed 29423582 (cited by 3 submitters); PubMed 33167498 (cited by 3 submitters); PubMed 33402335 (cited by Labcorp Genetics (formerly Invitae), Labcorp and Myriad Genetics, Inc.).

NM_000143.4(FH):c.965T>G (p.Val322Gly)

Gene: FH (fumarate hydratase; minus strand). Cytogenetic location: 1q43.
Variant type: single nucleotide variant.
Coding change: c.965T>G on transcript NM_000143.4 (MANE Select); coding-DNA position 965, T replaced by G.
Protein change: p.Val322Gly; replaces valine 322 with glycine.
Molecular consequence: missense variant.
Genome position (GRCh38, 1-based): chr1:241,504,185, A>C on the plus strand (T>G on the coding strand, the complement: FH is on the minus strand). VCF-style: chr1-241504185-A-C. GRCh37 (hg19) VCF-style: chr1-241667485-A-C.
Other names: p.V322G:GTT>GGT; short protein forms V322G.
Identifiers: ClinVar variation 214417 (VCV000214417.13), dbSNP rs863224003, ClinGen allele CA320499.
Genomic context (GRCh38, chr1:241,504,185, plus strand): 5'-ATATCATTTGCTATCTTCATCAGACTGCAGGCAGTAGTGTTCATGGCTCCACTGAGCTCA[A>C]CCAGAGCGTCATGAGCAGCCAGAGCTTCAAATTTATTCGGAGCAGTGACAAAAGGCAAGC-3'
Protein context (NP_000134.2, residues 312-332): FEALAAHDAL[Val322Gly]ELSGAMNTTA